The following is an entry in ClinVar:

NM_024649.5(BBS1):c.159G>A (p.Lys53=)

Gene: BBS1 (Bardet-Biedl syndrome 1; plus strand). Cytogenetic location: 11q13.2.
Variant type: single nucleotide variant.
Coding change: c.159G>A on transcript NM_024649.5 (MANE Select); coding-DNA position 159, G replaced by A.
Protein change: p.Lys53=; no amino-acid change (lysine 53 retained).
Molecular consequence: synonymous variant.
Genome position (GRCh38, 1-based): chr11:66,511,239, G>A. VCF-style: chr11-66511239-G-A. GRCh37 (hg19) VCF-style: chr11-66278710-G-A.
Identifiers: ClinVar variation 1051924 (VCV001051924.9), dbSNP rs1262106058, ClinGen allele CA475368393.
Genomic context (GRCh38, chr11:66,511,239, plus strand): 5'-CTGGTTTTGGCCCTTTTGTTTTCCAGCGCTGGCAGATTTACATGGGGATGGGGAATACAA[G>A]GTAAGCATATCACCCTAGCCAGGAGAGTTGAGGGTAGGGGGGTGTACCCAGAAATGAGAT-3'
Protein context (NP_078925.3, residues 43-63): LADLHGDGEY[Lys53=]LVVGDLGPGG

ClinVar aggregate classification (germline): Uncertain significance (1 of 4 stars; one submission).

Conditions:
Bardet-Biedl syndrome (BBS). Identifiers: Orphanet 110, MedGen C0752166, MONDO:0015229.

Allele frequency attached by ClinVar (database versions not stated): gnomAD exomes below 0.00001; TOPMed below 0.00001; gnomAD 0.00001.

Submission:

Labcorp Genetics (formerly Invitae), Labcorp
Classification: Uncertain significance for Bardet-Biedl syndrome. Last evaluated: 2020-09-16. Review status: criteria provided, single submitter. Criteria: Invitae Variant Classification Sherloc (09022015). Collection method: clinical testing. Allele origin: germline.
Comment: This variant has been observed in individual(s) with clinical features of inherited retinal dystrophy (Invitae). This variant is not present in population databases (ExAC no frequency). This sequence change affects codon 53 of the BBS1 mRNA. It is a 'silent' change, meaning that it does not change the encoded amino acid sequence of the BBS1 protein. This variant also falls at the last nucleotide of exon 3 of the BBS1 coding sequence, which is part of the consensus splice site for this exon. Nucleotide substitutions within the consensus splice site are a relatively common cause of aberrant splicing (PMID: 17576681, 9536098). Algorithms developed to predict the effect of sequence changes on RNA splicing suggest that this variant may disrupt the consensus splice site, but this prediction has not been confirmed by published transcriptional studies. In summary, the available evidence is currently insufficient to determine the role of this variant in disease. Therefore, it has been classified as a Variant of Uncertain Significance.

Literature cited by the submitters: PubMed 17576681; PubMed 9536098.